The following is an entry in ClinVar:

ClinVar aggregate classification (germline): Uncertain significance (1 of 4 stars; one submission).

Submission:

GeneDx
Classification: Uncertain significance. Last evaluated: 2022-06-20. Review status: criteria provided, single submitter. Criteria: GeneDx Variant Classification Process June 2021. Collection method: clinical testing. Allele origin: germline. Affected: yes.
Comment: Not observed at significant frequency in large population cohorts (gnomAD); In silico analysis supports that this missense variant does not alter protein structure/function; Has not been previously published as pathogenic or benign to our knowledge

NM_001148.6(ANK2):c.1372G>A (p.Asp458Asn)

Gene: ANK2 (ankyrin 2; plus strand). Cytogenetic location: 4q26.
Variant type: single nucleotide variant.
Coding change: c.1372G>A on transcript NM_001148.6 (MANE Select); coding-DNA position 1372, G replaced by A.
Protein change: p.Asp458Asn; replaces aspartic acid 458 with asparagine.
Molecular consequence: missense variant. On other transcripts: intron variant (5).
Genome position (GRCh38, 1-based): chr4:113,258,397, G>A. VCF-style: chr4-113258397-G-A. GRCh37 (hg19) VCF-style: chr4-114179553-G-A.
Other names: p.D458N:GAT>AAT; c.1309G>A, p.Asp437Asn (NM_001127493.3, NM_001354239.2, NM_001354243.2 and 14 more transcripts); c.1372G>A, p.Asp458Asn (NM_001354225.2, NM_001354228.2, NM_001354232.2 and 8 more transcripts); c.1417G>A, p.Asp473Asn (NM_001354230.2, NM_001354231.2, NM_001354237.2 and 5 more transcripts); c.1285G>A, p.Asp429Asn (NM_001354249.2, NM_001354260.2, NM_001354264.2 and 13 more transcripts); c.1330G>A, p.Asp444Asn (NM_001354261.2, NM_001386147.1, NM_001386160.1); c.1360G>A, p.Asp454Asn (NM_001386148.2, NM_001386186.2); c.1423G>A, p.Asp475Asn (NM_001386174.1); and 5 more; short protein forms D437N, D458N, D429N, D473N, D444N, D446N, D454N, D467N.
Identifiers: ClinVar variation 190545 (VCV000190545.4), dbSNP rs786205721, ClinGen allele CA300785.